The following is an entry in ClinVar:

NM_000140.5(FECH):c.1041_1048del (p.Glu347fs)

Gene: FECH (ferrochelatase; minus strand). Cytogenetic location: 18q21.31.
Variant type: Deletion.
Coding change: c.1041_1048del on transcript NM_000140.5 (MANE Select); coding-DNA positions 1041 to 1048, 8 bases deleted (GCTGGACA; older notation c.1041_1048delGCTGGACA).
Protein change: p.Glu347fs; shifts the reading frame from glutamic acid 347.
Molecular consequence: frameshift variant.
Genome position (GRCh38, 1-based): chr18:57,554,289-57,554,296, TGTCCAGC deleted on the plus strand (GCTGGACA on the coding strand, the reverse complement: FECH is on the minus strand); deleting any 8 consecutive bases within chr18:57,554,289-57,554,297 gives the same sequence; the c. name uses the placement nearest the transcript's 3' end. VCF-style (leftmost placement, unchanged base first): chr18-57554288-ATGTCCAGC-A. GRCh37 (hg19) VCF-style: chr18-55221520-ATGTCCAGC-A.
Other names: c.1059_1066del, p.Glu353fs (NM_001012515.4); c.942_949del, p.Glu314fs (NM_001371094.1); c.825_832del, p.Glu275fs (NM_001371095.1); c.1041_1048del, p.Glu347fs (NM_001374778.1); short protein forms E275fs, E314fs, E347fs, E353fs.
Identifiers: ClinVar variation 3609777 (VCV003609777.2).
Genomic context (GRCh38, chr18:57,554,288, plus strand): 5'-ATGATGGGAAAAAGGCAGATGGGTGCATTTACCTCCTTGGCTAAAACTTGAGAGTACTCG[ATGTCCAGC>A]TCATACAGCGTTTCAATATGGTCACTGGTAAATGCTATCGGAACCAAGAGGATATTCTTC-3'

ClinVar aggregate classification (germline): Pathogenic (1 of 4 stars; one submission).

Submission:

Labcorp Genetics (formerly Invitae), Labcorp
Classification: Pathogenic. Last evaluated: 2024-06-30. Review status: criteria provided, single submitter. Criteria: Invitae Variant Classification Sherloc (09022015). Collection method: clinical testing. Allele origin: germline.
Comment: This sequence change creates a premature translational stop signal (p.Glu347Aspfs*14) in the FECH gene. It is expected to result in an absent or disrupted protein product. Loss-of-function variants in FECH are known to be pathogenic (PMID: 20105171, 23016163, 23364466). This variant is not present in population databases (gnomAD no frequency). This premature translational stop signal has been observed in individual(s) with erythropoietic porphyrias (PMID: 30454868). For these reasons, this variant has been classified as Pathogenic.

Literature cited by the submitters: PubMed 20105171; PubMed 23016163; PubMed 23364466; PubMed 30454868.